The following is an entry in ClinVar:

ClinVar aggregate classification (germline): Benign. Review status: criteria provided, multiple submitters, no conflicts (2 of 4 stars). 2 submissions from 2 submitters: Benign (2). Last evaluated 2020-01-28.

Allele frequency attached by ClinVar (database versions not stated): 1000 Genomes Project 30x 0.81355; gnomAD 0.88915 and 0.89114; gnomAD exomes 0.97967; 1000 Genomes Project 0.81629; TOPMed 0.87556.
gnomAD v4.1: 241,141 of 260,162 alleles (93%); highest among the groups gnomAD compares: Non-Finnish European, 99%; 113,251 homozygotes.

Submissions (2):

GeneDx
Classification: Benign. Last evaluated: 2020-01-28. Review status: criteria provided, single submitter. Criteria: GeneDx Variant Classification Process June 2021. Collection method: clinical testing. Allele origin: germline. Affected: yes.
Comment: This variant is associated with the following publications: (PMID: 23804708)

Breakthrough Genomics
Classification: Benign. Review status: criteria provided, single submitter. Criteria: ACMG Guidelines, 2015. Collection method: not provided. Allele origin: germline. Inheritance: Autosomal recessive inheritance. Affected: yes.

NM_001368769.2(B9D1):c.-298+166T>G

Gene: B9D1 (B9 domain containing 1; minus strand). Cytogenetic location: 17p11.2.
Variant type: single nucleotide variant.
Coding change: c.-298+166T>G on transcript NM_001368769.2; 166 bases into the intron after 298 bases upstream of the start codon, T replaced by G.
Molecular consequence: intron variant.
Genome position (GRCh38, 1-based): chr17:19,377,693, A>C on the plus strand (T>G on the coding strand, the complement: B9D1 is on the minus strand). VCF-style: chr17-19377693-A-C. GRCh37 (hg19) VCF-style: chr17-19281006-A-C.
Identifiers: ClinVar variation 1178285 (VCV001178285.5), dbSNP rs3866958, ClinGen allele CA288512368.